The following is an entry in ClinVar:

ClinVar aggregate classification (germline): Uncertain significance. Review status: criteria provided, multiple submitters, no conflicts (2 of 4 stars). 2 submissions from 2 submitters: Uncertain significance (2). Last evaluated 2025-01-09.

Conditions:
Norman-Roberts syndrome (LIS2). Also called: Lissencephaly 2 (Norman-Roberts type). Identifiers: Orphanet 89844, MedGen C0796089, MONDO:0009760, OMIM 257320.
Familial temporal lobe epilepsy 7. Identifiers: Orphanet 101046, MedGen C4225327, MONDO:0014639, OMIM 616436.
Inborn genetic diseases. Identifiers: MedGen C0950123, MeSH D030342.

Submissions (2):

Ambry Genetics
Classification: Uncertain significance for Inborn genetic diseases. Last evaluated: 2025-01-09. Review status: criteria provided, single submitter. Criteria: Ambry Variant Classification Scheme 2023. Collection method: clinical testing. Allele origin: germline.

Labcorp Genetics (formerly Invitae), Labcorp
Classification: Uncertain significance for Familial temporal lobe epilepsy 7; Norman-Roberts syndrome. Last evaluated: 2020-03-10. Review status: criteria provided, single submitter. Criteria: Invitae Variant Classification Sherloc (09022015). Collection method: clinical testing. Allele origin: germline.
Comment: In summary, the available evidence is currently insufficient to determine the role of this variant in disease. Therefore, it has been classified as a Variant of Uncertain Significance. Algorithms developed to predict the effect of missense changes on protein structure and function are either unavailable or do not agree on the potential impact of this missense change (SIFT: "Deleterious"; PolyPhen-2: "Benign"; Align-GVGD: "Class C0"). This variant has not been reported in the literature in individuals with RELN-related conditions. This variant is not present in population databases (ExAC no frequency). This sequence change replaces lysine with glutamic acid at codon 288 of the RELN protein (p.Lys288Glu). The lysine residue is highly conserved and there is a small physicochemical difference between lysine and glutamic acid.

NM_005045.4(RELN):c.862A>G (p.Lys288Glu)

Gene: RELN (reelin; minus strand). Cytogenetic location: 7q22.1.
Variant type: single nucleotide variant.
Coding change: c.862A>G on transcript NM_005045.4 (MANE Select); coding-DNA position 862, A replaced by G.
Protein change: p.Lys288Glu; replaces lysine 288 with glutamic acid.
Molecular consequence: missense variant.
Genome position (GRCh38, 1-based): chr7:103,700,950, T>C on the plus strand (A>G on the coding strand, the complement: RELN is on the minus strand). VCF-style: chr7-103700950-T-C. GRCh37 (hg19) VCF-style: chr7-103341397-T-C.
Other names: c.862A>G, p.Lys288Glu (NM_173054.3); c.862A>G (NM_005045.3); short protein forms K288E.
Identifiers: ClinVar variation 1002147 (VCV001002147.9), dbSNP rs1834077767, ClinGen allele CA368928028.